The following is an entry in ClinVar:

NM_022552.5(DNMT3A):c.1981A>G (p.Ile661Val)

Gene: DNMT3A (DNA methyltransferase 3 alpha; minus strand). Cytogenetic location: 2p23.3.
Variant type: single nucleotide variant.
Coding change: c.1981A>G on transcript NM_022552.5 (MANE Select); coding-DNA position 1981, A replaced by G.
Protein change: p.Ile661Val; replaces isoleucine 661 with valine.
Molecular consequence: missense variant. On other transcripts: non-coding transcript variant (1).
Genome position (GRCh38, 1-based): chr2:25,241,663, T>C on the plus strand (A>G on the coding strand, the complement: DNMT3A is on the minus strand). VCF-style: chr2-25241663-T-C. GRCh37 (hg19) VCF-style: chr2-25464532-T-C.
Other names: c.1525A>G, p.Ile509Val (NM_001320893.1); c.1312A>G, p.Ile438Val (NM_001375819.1); c.1414A>G, p.Ile472Val (NM_153759.3); c.1981A>G, p.Ile661Val (NM_175629.2); short protein forms I438V, I472V, I509V, I661V.
Identifiers: ClinVar variation 3343318 (VCV003343318.2).
Genomic context (GRCh38, chr2:25,241,663, plus strand): 5'-TCTTCCCCTGGTGCCGCACCATGCCCACCGTGATGGAGTCCTCACACACCTCCGAGGCAA[T>C]GTAGCGGTCCACCTGAATGCCCAAGTCCTTCAGCACCAGGAGCCCTGCACCAGCCAGCAG-3'
Protein context (NP_072046.2, residues 651-671): KDLGIQVDRY[Ile661Val]ASEVCEDSIT

ClinVar aggregate classification (germline): Uncertain significance (1 of 4 stars; one submission).

Submission:

GeneDx
Classification: Uncertain significance. Last evaluated: 2025-10-29. Review status: criteria provided, single submitter. Criteria: GeneDx Variant Classification Process June 2021. Collection method: clinical testing. Allele origin: germline.
Comment: Not observed at significant frequency in large population cohorts (gnomAD); In silico analysis suggests that this missense variant does not alter protein structure/function; Has not been previously published as pathogenic or benign to our knowledge; This variant is associated with the following publications: (PMID: 29866652)